The following is an entry in ClinVar:

ClinVar aggregate classification (germline): Uncertain significance (1 of 4 stars; one submission).

Submission:

Labcorp Genetics (formerly Invitae), Labcorp
Classification: Uncertain significance. Last evaluated: 2023-05-11. Review status: criteria provided, single submitter. Criteria: Invitae Variant Classification Sherloc (09022015). Collection method: clinical testing. Allele origin: germline.
Comment: This variant is present in population databases (no rsID available, gnomAD 0.003%). This sequence change replaces lysine, which is basic and polar, with glycine, which is neutral and non-polar, at codon 252 of the TNNI3K protein (p.Lys252Gly). This variant has not been reported in the literature in individuals affected with TNNI3K-related conditions. An algorithm developed to predict the effect of missense changes on protein structure and function (PolyPhen-2) suggests that this variant is likely to be tolerated. In summary, the available evidence is currently insufficient to determine the role of this variant in disease. Therefore, it has been classified as a Variant of Uncertain Significance.

NM_015978.3(TNNI3K):c.754_755delinsGG (p.Lys252Gly)

Genes: FPGT-TNNI3K (FPGT-TNNI3K readthrough; plus strand), TNNI3K (TNNI3 interacting kinase; plus strand). Cytogenetic location: 1p31.1.
Variant type: Indel.
Coding change: c.754_755delinsGG on transcript NM_015978.3 (MANE Select); coding-DNA positions 754 to 755, AA replaced by GG.
Protein change: p.Lys252Gly; replaces lysine 252 with glycine.
Molecular consequence: missense variant.
Genome position (GRCh38, 1-based): chr1:74,342,913-74,342,914, AA replaced by GG. VCF-style: chr1-74342913-AA-GG. GRCh37 (hg19) VCF-style: chr1-74808597-AA-GG.
Other names: c.1057_1058delinsGG, p.Lys353Gly (NM_001112808.3, NM_001199327.2); short protein forms K252G, K353G.
Identifiers: ClinVar variation 2794820 (VCV002794820.3), dbSNP rs2524361250, ClinGen allele CA2739272627.